The following is an entry in ClinVar:

ClinVar aggregate classification (germline): Uncertain significance. Review status: criteria provided, multiple submitters, no conflicts (2 of 4 stars). 2 submissions from 2 submitters: Uncertain significance (2). Last evaluated 2025-08-28.

Conditions:
Inborn genetic diseases. Identifiers: MedGen C0950123, MeSH D030342.

Submissions (2):

Ambry Genetics
Classification: Uncertain significance for Inborn genetic diseases. Last evaluated: 2025-08-28. Review status: criteria provided, single submitter. Criteria: Ambry Variant Classification Scheme 2023. Collection method: clinical testing. Allele origin: germline.

Labcorp Genetics (formerly Invitae), Labcorp
Classification: Uncertain significance. Last evaluated: 2023-05-13. Review status: criteria provided, single submitter. Criteria: Invitae Variant Classification Sherloc (09022015). Collection method: clinical testing. Allele origin: germline.
Comment: This sequence change replaces arginine, which is basic and polar, with lysine, which is basic and polar, at codon 106 of the NSD1 protein (p.Arg106Lys). This variant is not present in population databases (gnomAD no frequency). In summary, the available evidence is currently insufficient to determine the role of this variant in disease. Therefore, it has been classified as a Variant of Uncertain Significance. This variant has not been reported in the literature in individuals affected with NSD1-related conditions. Advanced modeling of protein sequence and biophysical properties (such as structural, functional, and spatial information, amino acid conservation, physicochemical variation, residue mobility, and thermodynamic stability) performed at Invitae indicates that this missense variant is not expected to disrupt NSD1 protein function.

NM_022455.5(NSD1):c.317G>A (p.Arg106Lys)

Gene: NSD1 (nuclear receptor binding SET domain protein 1; plus strand). Cytogenetic location: 5q35.3.
Variant type: single nucleotide variant.
Coding change: c.317G>A on transcript NM_022455.5 (MANE Select); coding-DNA position 317, G replaced by A.
Protein change: p.Arg106Lys; replaces arginine 106 with lysine.
Molecular consequence: missense variant. On other transcripts: intron variant (7).
Genome position (GRCh38, 1-based): chr5:177,135,420, G>A. VCF-style: chr5-177135420-G-A. GRCh37 (hg19) VCF-style: chr5-176562421-G-A.
Other names: c.317G>A, p.Arg106Lys (NM_001409301.1, NM_001409302.1, NM_001409303.1 and 1 more transcripts); c.-37+220G>A (NM_001409305.1, NM_001409306.1, NM_001409308.1 and 4 more transcripts); short protein forms R106K.
Identifiers: ClinVar variation 3628114 (VCV003628114.3).